The following is an entry in ClinVar:

ClinVar aggregate classification (germline): Uncertain significance (1 of 4 stars; one submission).

Conditions:
Hereditary cancer-predisposing syndrome. Also called: Hereditary Cancer Syndrome; Hereditary neoplastic syndrome; Neoplastic Syndromes, Hereditary; Tumor predisposition. Identifiers: Orphanet 140162, MedGen C0027672, MeSH D009386, MONDO:0015356.

Submission:

Ambry Genetics
Classification: Uncertain significance for Hereditary cancer-predisposing syndrome. Last evaluated: 2019-05-17. Review status: criteria provided, single submitter. Criteria: Ambry Variant Classification Scheme 2023. Collection method: clinical testing. Allele origin: germline.
Comment: The p.N404D variant (also known as c.1210A>G), located in coding exon 4 of the MSH6 gene, results from an A to G substitution at nucleotide position 1210. The asparagine at codon 404 is replaced by aspartic acid, an amino acid with highly similar properties. This amino acid position is highly conserved in available vertebrate species. In addition, the in silico prediction for this alteration is inconclusive. In addition, the CoDP in silico tool predicts this alteration to have minor impact on molecular function, with a score of 0.000 (Terui H et al. J. Biomed. Sci. 2013 Apr;20:25). Since supporting evidence is limited at this time, the clinical significance of this alteration remains unclear.

NM_000179.3(MSH6):c.1210A>G (p.Asn404Asp)

Gene: MSH6 (mutS homolog 6; plus strand). Cytogenetic location: 2p16.3.
Variant type: single nucleotide variant.
Coding change: c.1210A>G on transcript NM_000179.3 (MANE Select); coding-DNA position 1210, A replaced by G.
Protein change: p.Asn404Asp; replaces asparagine 404 with aspartic acid.
Molecular consequence: missense variant.
Genome position (GRCh38, 1-based): chr2:47,799,193, A>G. VCF-style: chr2-47799193-A-G. GRCh37 (hg19) VCF-style: chr2-48026332-A-G.
Other names: c.820A>G, p.Asn274Asp (NM_001281492.2); c.304A>G, p.Asn102Asp (NM_001281493.2, NM_001281494.2, NM_001406811.1 and 6 more transcripts); c.1306A>G, p.Asn436Asp (NM_001406795.1, NM_001406802.1); c.1210A>G, p.Asn404Asp (NM_001406796.1, NM_001406798.1, NM_001406800.1 and 4 more transcripts); c.913A>G, p.Asn305Asp (NM_001406797.1, NM_001406801.1, NM_001406805.1 and 10 more transcripts); c.685A>G, p.Asn229Asp (NM_001406799.1, NM_001406806.1, NM_001406807.1); c.1132A>G, p.Asn378Asp (NM_001406804.1); c.1216A>G, p.Asn406Asp (NM_001406813.1); and 1 more; short protein forms N102D, N305D, N274D, N404D, N436D, N229D, N348D, N378D.
Identifiers: ClinVar variation 1750280 (VCV001750280.2), dbSNP rs2104328174, ClinGen allele CA346743503.